The following is an entry in ClinVar:

ClinVar aggregate classification (germline): Benign (1 of 4 stars; one submission).

Allele frequency attached by ClinVar (database versions not stated): gnomAD 0.20850 and 0.20956; TOPMed 0.22047; 1000 Genomes Project 0.25958; 1000 Genomes Project 30x 0.26077.
gnomAD v4.1: 31,570 of 152,182 alleles (21%); highest among the groups gnomAD compares: African/African-American, 41%; 4,583 homozygotes.

Submission:

GeneDx
Classification: Benign. Last evaluated: 2018-06-18. Review status: criteria provided, single submitter. Criteria: GeneDx Variant Classification (06012015). Collection method: clinical testing. Allele origin: germline. Affected: yes.
Comment: This variant is considered likely benign or benign based on one or more of the following criteria: it is a conservative change, it occurs at a poorly conserved position in the protein, it is predicted to be benign by multiple in silico algorithms, and/or has population frequency not consistent with disease.

NM_001376.5(DYNC1H1):c.2538+230A>G

Gene: DYNC1H1 (dynein cytoplasmic 1 heavy chain 1; plus strand). Cytogenetic location: 14q32.31.
Variant type: single nucleotide variant.
Coding change: c.2538+230A>G on transcript NM_001376.5 (MANE Select); 230 bases into the intron after coding-DNA position 2538, A replaced by G.
Molecular consequence: intron variant.
Genome position (GRCh38, 1-based): chr14:101,986,993, A>G. VCF-style: chr14-101986993-A-G. GRCh37 (hg19) VCF-style: chr14-102453330-A-G.
Identifiers: ClinVar variation 679338 (VCV000679338.1), dbSNP rs2749890, ClinGen allele CA14024916.